The following is an entry in ClinVar:

NM_006420.3(ARFGEF2):c.169C>T (p.Pro57Ser)

Gene: ARFGEF2 (ARF guanine nucleotide exchange factor 2; plus strand). Cytogenetic location: 20q13.13.
Variant type: single nucleotide variant.
Coding change: c.169C>T on transcript NM_006420.3 (MANE Select); coding-DNA position 169, C replaced by T.
Protein change: p.Pro57Ser; replaces proline 57 with serine.
Molecular consequence: missense variant.
Genome position (GRCh38, 1-based): chr20:48,941,880, C>T. VCF-style: chr20-48941880-C-T. GRCh37 (hg19) VCF-style: chr20-47558417-C-T.
Other names: p.Pro57Ser; short protein forms P57S.
Identifiers: ClinVar variation 128433 (VCV000128433.55), dbSNP rs73113975, ClinGen allele CA151888.

ClinVar aggregate classification (germline): Conflicting classifications of pathogenicity. Review status: criteria provided, conflicting classifications (1 of 4 stars). 11 submissions from 11 submitters: Uncertain significance (1); Benign (6); Likely benign (3). 1 of the submissions does not count toward it. Last evaluated 2026-09-01.

Conditions:
Periventricular heterotopia with microcephaly, autosomal recessive (ARPHM). Also called: PERIVENTRICULAR NODULAR HETEROTOPIA 2; Periventricular heterotopia with microcephaly. Identifiers: Orphanet 2149, MedGen C1842563, MONDO:0011966, OMIM 608097.

Allele frequency attached by ClinVar (database versions not stated): 1000 Genomes Project 0.00339; 1000 Genomes Project 30x 0.00375; TOPMed 0.00505; gnomAD exomes 0.00525 and 0.00773; gnomAD 0.00536 and 0.00540; ExAC 0.00559; ESP Exome Variant Server 0.00769.
gnomAD v4.1: 11,959 of 1,614,242 alleles (0.74%); highest among the groups gnomAD compares: Non-Finnish European, 0.93%; 58 homozygotes.

Submissions (11):

CeGaT Center for Human Genetics Tuebingen
Classification: Likely benign. Last evaluated: 2026-09-01. Review status: criteria provided, single submitter. Criteria: CeGaT Center For Human Genetics Tuebingen Variant Classification Criteria Version 2. Collection method: clinical testing. Allele origin: germline. Affected: yes. Observed: 17 variant alleles.
Comment: ARFGEF2: BS2

Labcorp Genetics (formerly Invitae), Labcorp
Classification: Benign. Last evaluated: 2026-01-28. Review status: criteria provided, single submitter. Criteria: Invitae Variant Classification Sherloc (09022015). Collection method: clinical testing. Allele origin: germline.

ARUP Laboratories, Molecular Genetics and Genomics, ARUP Laboratories
Classification: Benign for Periventricular heterotopia with microcephaly, autosomal recessive. Last evaluated: 2025-03-26. Review status: criteria provided, single submitter. Criteria: ARUP Molecular Germline Variant Investigation Process 2024. Collection method: clinical testing. Allele origin: germline.

Mayo Clinic Laboratories, Mayo Clinic
Classification: Benign. Last evaluated: 2019-04-29. Review status: criteria provided, single submitter. Criteria: ACMG Guidelines, 2015. Collection method: clinical testing. Allele origin: germline. Observed: 4 variant alleles.

Athena Diagnostics
Classification: Benign. Last evaluated: 2018-10-24. Review status: criteria provided, single submitter. Criteria: Athena Diagnostics Criteria. Collection method: clinical testing. Allele origin: germline.

Illumina Laboratory Services, Illumina
Classification: Uncertain significance for Periventricular heterotopia with microcephaly, autosomal recessive. Last evaluated: 2018-01-13. Review status: criteria provided, single submitter. Criteria: ICSL Variant Classification Criteria 13 December 2019. Collection method: clinical testing. Allele origin: germline.

Center for Pediatric Genomic Medicine, Children's Mercy Hospital and Clinics
Classification: Likely benign. Last evaluated: 2017-01-26. Review status: criteria provided, single submitter. Criteria: ACMG Guidelines, 2015. Collection method: clinical testing. Allele origin: germline.
ClinVar note: Converted during submission from Likely Benign to Likely benign.

Eurofins Ntd Llc (ga)
Classification: Benign. Last evaluated: 2016-12-28. Review status: criteria provided, single submitter. Criteria: EGL Classification Definitions 2015. Collection method: clinical testing. Allele origin: germline. Observed: 1 variant allele, 1 heterozygote.

GeneDx
Classification: Benign. Last evaluated: 2016-11-17. Review status: criteria provided, single submitter. Criteria: GeneDx Variant Classification (06012015). Collection method: clinical testing. Allele origin: germline. Affected: yes.
Comment: This variant is considered likely benign or benign based on one or more of the following criteria: it is a conservative change, it occurs at a poorly conserved position in the protein, it is predicted to be benign by multiple in silico algorithms, and/or has population frequency not consistent with disease.

PreventionGenetics, part of Exact Sciences
Classification: Likely benign. Review status: criteria provided, single submitter. Criteria: ACMG Guidelines, 2015. Collection method: clinical testing. Allele origin: germline.

Genetic Services Laboratory, University of Chicago
Classification: Likely benign for AllHighlyPenetrant. Review status: no assertion criteria provided. Collection method: clinical testing. Allele origin: germline. Inheritance: Autosomal recessive inheritance. Not counted in ClinVar's aggregate classification.
Comment: Likely benign based on allele frequency in 1000 Genomes Project or ESP global frequency and its presence in a patient with a rare or unrelated disease phenotype. NOT Sanger confirmed.